The following is an entry in ClinVar:

ClinVar aggregate classification (germline): Conflicting classifications of pathogenicity. Review status: criteria provided, conflicting classifications (1 of 4 stars). 4 submissions from 4 submitters: Uncertain significance (1); Likely benign (3). Last evaluated 2025-01-27.

Conditions:
Nail-patella-like renal disease. Also called: GLOMERULAR BASEMENT MEMBRANE DISEASE, NAIL-PATELLA SYNDROME TYPE; Focal Segmental Glomerulosclerosis 10. Identifiers: Orphanet 2613, MedGen C0403548, MONDO:0009724, OMIM 256020.
Nail-patella syndrome (NPS). Also called: FONG DISEASE; ONYCHOOSTEODYSPLASIA; TURNER-KIESER SYNDROME. Identifiers: Orphanet 2614, MedGen C0027341, MONDO:0008061, OMIM 161200.
Inborn genetic diseases. Identifiers: MedGen C0950123, MeSH D030342.

Allele frequency attached by ClinVar (database versions not stated): gnomAD 0.00001 and 0.00002; TOPMed 0.00002; gnomAD exomes 0.00005 and 0.00007; ExAC 0.00009; 1000 Genomes Project 30x 0.00016; 1000 Genomes Project 0.00020.
gnomAD v4.1: 71 of 1,612,482 alleles (0.0044%); highest among the groups gnomAD compares: East Asian, 0.12%; 1 homozygote.

Submissions (4):

Labcorp Genetics (formerly Invitae), Labcorp
Classification: Likely benign. Last evaluated: 2025-01-27. Review status: criteria provided, single submitter. Criteria: Invitae Variant Classification Sherloc (09022015). Collection method: clinical testing. Allele origin: germline.

Ambry Genetics
Classification: Uncertain significance for Inborn genetic diseases. Last evaluated: 2022-07-26. Review status: criteria provided, single submitter. Criteria: Ambry Variant Classification Scheme 2023. Collection method: clinical testing. Allele origin: germline.

Fulgent Genetics
Classification: Likely benign for Nail-patella syndrome; Nail-patella-like renal disease. Last evaluated: 2022-02-11. Review status: criteria provided, single submitter. Criteria: ACMG Guidelines, 2015. Collection method: clinical testing. Allele origin: unknown.

Illumina Laboratory Services, Illumina
Classification: Likely benign for Nail-patella syndrome. Last evaluated: 2018-01-13. Review status: criteria provided, single submitter. Criteria: ICSL Variant Classification Criteria 13 December 2019. Collection method: clinical testing. Allele origin: germline.
Comment: This variant was observed in the ICSL laboratory as part of a predisposition screen in an ostensibly healthy population. It had not been previously curated by ICSL or reported in the Human Gene Mutation Database (HGMD: prior to June 1st, 2018), and was therefore a candidate for classification through an automated scoring system. Utilizing variant allele frequency, disease prevalence and penetrance estimates, and inheritance mode, an automated score was calculated to assess if this variant is too frequent to cause the disease. Based on the score and internal cut-off values, a variant classified as likely benign is not then subjected to further curation. The score for this variant resulted in a classification of likely benign for this disease.

NM_001174147.2(LMX1B):c.535G>A (p.Val179Met)

Gene: LMX1B (LIM homeobox transcription factor 1 beta; plus strand). Cytogenetic location: 9q33.3.
Variant type: single nucleotide variant.
Coding change: c.535G>A on transcript NM_001174147.2 (MANE Select); coding-DNA position 535, G replaced by A.
Protein change: p.Val179Met; replaces valine 179 with methionine.
Molecular consequence: missense variant.
Genome position (GRCh38, 1-based): chr9:126,691,044, G>A. VCF-style: chr9-126691044-G-A. GRCh37 (hg19) VCF-style: chr9-129453323-G-A.
Other names: c.535G>A, p.Val179Met (NM_001174146.2, NM_002316.4); short protein forms V179M.
Identifiers: ClinVar variation 914598 (VCV000914598.9), dbSNP rs181422024, ClinGen allele CA5242332.